The following is an entry in ClinVar:

NM_000092.5(COL4A4):c.163dup (p.Cys55fs)

Gene: COL4A4 (collagen type IV alpha 4 chain; minus strand). Cytogenetic location: 2q36.3.
Variant type: Duplication.
Coding change: c.163dup on transcript NM_000092.5 (MANE Select); coding-DNA position 163, one base duplicated (T; older notation c.163dupT).
Protein change: p.Cys55fs; shifts the reading frame from cysteine 55.
Molecular consequence: frameshift variant.
Genome position (GRCh38, 1-based): chr2:227,140,190, A duplicated on the plus strand (T on the coding strand, the reverse complement: COL4A4 is on the minus strand); the first of 3 consecutive A bases (chr2:227,140,190-227,140,192); duplicating any one gives the same sequence. VCF-style (leftmost placement, unchanged base first): chr2-227140189-C-CA. GRCh37 (hg19) VCF-style: chr2-228004905-C-CA.
Other names: p.(Cys55Leufs*6); short protein forms C55fs.
Identifiers: ClinVar variation 4884677 (VCV004884677.1).
Genomic context (GRCh38, chr2:227,140,189, plus strand): 5'-ATGCTGCCCATGTTGGTCTTTACATCACTTACCCGAGACCCCTTTTCAGGAACACAGTGG[C>CA]AAACAGAGCAATCTCTTCCTCCACAAGGACCAATGTATTTCTTTCCACTCTGGAAAGTGA-3'

ClinVar aggregate classification (germline): Pathogenic (1 of 4 stars; one submission).

Conditions:
Hematuria, benign familial, 1 (BFH1). Also called: THIN MEMBRANE NEPHROPATHY. Identifiers: MedGen CN376803, MONDO:0007709, OMIM 141200.

Submission:

Centre de Génétique Humaine, Institut de Pathologie Et de Génétique
Classification: Pathogenic for Hematuria, benign familial, 1. Last evaluated: 2026-04-15. Review status: criteria provided, single submitter. Criteria: ACMG Guidelines, 2015. Collection method: clinical testing. Allele origin: germline. Inheritance: Autosomal dominant inheritance. Affected: yes. Observed: 1 variant allele, 1 heterozygote. Segregation with disease not observed.
Comment: This 1pb duplication is a frameshift variant predicted to result in protein truncation or nonsense mediated decay in a gene for which loss-of-function is a known mechanism of disease (PVS1). This variant is rare: absent in gnomAD v4.1.0 database (PM2).